The following is an entry in ClinVar:

NM_001006658.3(CR2):c.493C>G (p.His165Asp)

Gene: CR2 (complement C3d receptor 2; plus strand). Cytogenetic location: 1q32.2.
Variant type: single nucleotide variant.
Coding change: c.493C>G on transcript NM_001006658.3 (MANE Select); coding-DNA position 493, C replaced by G.
Protein change: p.His165Asp; replaces histidine 165 with aspartic acid.
Molecular consequence: missense variant.
Genome position (GRCh38, 1-based): chr1:207,468,574, C>G. VCF-style: chr1-207468574-C-G. GRCh37 (hg19) VCF-style: chr1-207641919-C-G.
Other names: c.493C>G, p.His165Asp (NM_001877.5); short protein forms H165D.
Identifiers: ClinVar variation 945577 (VCV000945577.6), dbSNP rs776543969, ClinGen allele CA1368451.
Genomic context (GRCh38, chr1:207,468,574, plus strand): 5'-TGTGTGTGTAAAGTTTTCCCTCTCGAGTGTCCAGCACTTCCTATGATCCACAATGGACAT[C>G]ACACAAGTGAGAATGTTGGCTCCATTGCTCCAGGATTGTCTGTGACTTACAGCTGTGAAT-3'
Protein context (NP_001006659.1, residues 155-175): PALPMIHNGH[His165Asp]TSENVGSIAP

ClinVar aggregate classification (germline): Uncertain significance (1 of 4 stars; one submission).

Conditions:
Immunodeficiency, common variable, 7. Identifiers: Orphanet 1572, Orphanet 696894, MedGen C3542922, MONDO:0013862, OMIM 614699.

Allele frequency attached by ClinVar (database versions not stated): gnomAD exomes 0.00005 and 0.00001; TOPMed 0.00003; gnomAD 0.00003 and 0.00004; ExAC 0.00007.
gnomAD v4.1: 18 of 1,613,890 alleles (0.0011%); highest among the groups gnomAD compares: East Asian, 0.038%; no homozygotes.

Submission:

Labcorp Genetics (formerly Invitae), Labcorp
Classification: Uncertain significance for Immunodeficiency, common variable, 7. Last evaluated: 2020-11-04. Review status: criteria provided, single submitter. Criteria: Invitae Variant Classification Sherloc (09022015). Collection method: clinical testing. Allele origin: germline.
Comment: In summary, the available evidence is currently insufficient to determine the role of this variant in disease. Therefore, it has been classified as a Variant of Uncertain Significance. Algorithms developed to predict the effect of missense changes on protein structure and function are either unavailable or do not agree on the potential impact of this missense change (SIFT: "Tolerated"; PolyPhen-2: "Probably Damaging"; Align-GVGD: "Class C0"). This variant has not been reported in the literature in individuals with CR2-related conditions. This variant is present in population databases (rs776543969, ExAC 0.09%). This sequence change replaces histidine with aspartic acid at codon 165 of the CR2 protein (p.His165Asp). The histidine residue is moderately conserved and there is a moderate physicochemical difference between histidine and aspartic acid.